The following is an entry in ClinVar:

NM_020964.3(EPG5):c.2488G>C (p.Val830Leu)

Gene: EPG5 (ectopic P-granules 5 autophagy tethering factor; minus strand). Cytogenetic location: 18q21.1.
Variant type: single nucleotide variant.
Coding change: c.2488G>C on transcript NM_020964.3 (MANE Select); coding-DNA position 2488, G replaced by C.
Protein change: p.Val830Leu; replaces valine 830 with leucine.
Molecular consequence: missense variant.
Genome position (GRCh38, 1-based): chr18:45,928,934, C>G on the plus strand (G>C on the coding strand, the complement: EPG5 is on the minus strand). VCF-style: chr18-45928934-C-G. GRCh37 (hg19) VCF-style: chr18-43508900-C-G.
Other names: c.2488G>C, p.Val830Leu (NM_001410858.1, NM_001410859.1); short protein forms V830L.
Identifiers: ClinVar variation 2091254 (VCV002091254.1), dbSNP rs1187668592, ClinGen allele CA402346633.

ClinVar aggregate classification (germline): Uncertain significance (1 of 4 stars; one submission).

Conditions:
Vici syndrome (VICIS). Identifiers: Orphanet 1493, MedGen C1855772, MONDO:0009452, OMIM 242840.

gnomAD v4.1: 3 of 1,613,714 alleles (0.00019%); highest among the groups gnomAD compares: East Asian, 0.0045%; no homozygotes.

Submission:

Labcorp Genetics (formerly Invitae), Labcorp
Classification: Uncertain significance for Vici syndrome. Last evaluated: 2022-10-13. Review status: criteria provided, single submitter. Criteria: Invitae Variant Classification Sherloc (09022015). Collection method: clinical testing. Allele origin: germline.
Comment: This sequence change replaces valine, which is neutral and non-polar, with leucine, which is neutral and non-polar, at codon 830 of the EPG5 protein (p.Val830Leu). This variant is present in population databases (no rsID available, gnomAD 0.007%). This variant has not been reported in the literature in individuals affected with EPG5-related conditions. Advanced modeling of protein sequence and biophysical properties (such as structural, functional, and spatial information, amino acid conservation, physicochemical variation, residue mobility, and thermodynamic stability) performed at Invitae indicates that this missense variant is expected to disrupt EPG5 protein function. In summary, the available evidence is currently insufficient to determine the role of this variant in disease. Therefore, it has been classified as a Variant of Uncertain Significance.